The following is an entry in ClinVar:

ClinVar aggregate classification (germline): Uncertain significance (0 of 4 stars; one submission).

Conditions:
ADCY3-related disorder. Also called: ADCY3-related condition.

Submission:

PreventionGenetics, part of Exact Sciences
Classification: Uncertain significance for ADCY3-related condition. Last evaluated: 2024-03-23. Review status: no assertion criteria provided. Collection method: clinical testing. Allele origin: germline.
Comment: The ADCY3 c.313C>G variant is predicted to result in the amino acid substitution p.Leu105Val. To our knowledge, this variant has not been reported in the literature. This variant is reported in 0.0029% of alleles in individuals of Latino descent in gnomAD. At this time, the clinical significance of this variant is uncertain due to the absence of conclusive functional and genetic evidence.

NM_004036.5(ADCY3):c.313C>G (p.Leu105Val)

Gene: ADCY3 (adenylate cyclase 3; minus strand). Cytogenetic location: 2p23.3.
Variant type: single nucleotide variant.
Coding change: c.313C>G on transcript NM_004036.5 (MANE Select); coding-DNA position 313, C replaced by G.
Protein change: p.Leu105Val; replaces leucine 105 with valine.
Molecular consequence: missense variant.
Genome position (GRCh38, 1-based): chr2:24,918,675, G>C on the plus strand (C>G on the coding strand, the complement: ADCY3 is on the minus strand). VCF-style: chr2-24918675-G-C. GRCh37 (hg19) VCF-style: chr2-25141544-G-C.
Other names: c.313C>G, p.Leu105Val (NM_001320613.2, NM_001377128.1, NM_001377129.1 and 2 more transcripts); short protein forms L105V.
Identifiers: ClinVar variation 3349679 (VCV003349679.1).
Genomic context (GRCh38, chr2:24,918,675, plus strand): 5'-AGAGCACGAAGAGGATGATGTCCAACACCAGTCCAATTCCAGCCACGGCGAGGGAAGCCA[G>C]CTTGTCGCTGGAGAAGACCACAGCACACATGACCACCACGTAGCAGTCAAAGAGGGCTGC-3'
Protein context (NP_004027.2, residues 95-115): MCAVVFSSDK[Leu105Val]ASLAVAGIGL